The following is an entry in ClinVar:

NM_000179.3(MSH6):c.2694T>C (p.Pro898=)

Gene: MSH6 (mutS homolog 6; plus strand). Cytogenetic location: 2p16.3.
Variant type: single nucleotide variant.
Coding change: c.2694T>C on transcript NM_000179.3 (MANE Select); coding-DNA position 2694, T replaced by C.
Protein change: p.Pro898=; no amino-acid change (proline 898 retained).
Molecular consequence: synonymous variant.
Genome position (GRCh38, 1-based): chr2:47,800,677, T>C. VCF-style: chr2-47800677-T-C. GRCh37 (hg19) VCF-style: chr2-48027816-T-C.
Other names: c.2304T>C, p.Pro768= (NM_001281492.2); c.1788T>C, p.Pro596= (NM_001281493.2, NM_001281494.2).
Identifiers: ClinVar variation 525896 (VCV000525896.23), dbSNP rs769668106, ClinGen allele CA069450.

ClinVar aggregate classification (germline): Benign/Likely benign. Review status: criteria provided, multiple submitters, no conflicts (2 of 4 stars). 7 submissions from 7 submitters: Benign (1); Likely benign (6). Last evaluated 2025-09-19.

Conditions:
Lynch syndrome 5 (LYNCH5). Also called: Colorectal cancer, hereditary nonpolyposis, type 5; Hereditary non-polyposis colorectal cancer, type 5. Identifiers: Orphanet 144, MedGen C1833477, MONDO:0013710, OMIM 614350. Disease mechanism: loss of function.
Hereditary nonpolyposis colorectal neoplasms. Identifiers: MedGen C0009405, MeSH D003123.
Hereditary cancer-predisposing syndrome. Also called: Neoplastic Syndromes, Hereditary; Tumor predisposition; Hereditary Cancer Syndrome; Hereditary neoplastic syndrome. Identifiers: Orphanet 140162, MedGen C0027672, MeSH D009386, MONDO:0015356.
Lynch syndrome. Identifiers: Orphanet 144, MedGen C4552100, MONDO:0005835. Disease mechanism: loss of function.

Allele frequency attached by ClinVar (database versions not stated): gnomAD exomes below 0.00001 and 0.00002; ExAC 0.00001; gnomAD 0.00001; TOPMed 0.00001.
gnomAD v4.1: 28 of 1,614,062 alleles (0.0017%); highest among the groups gnomAD compares: Non-Finnish European, 0.0024%; no homozygotes.

Submissions (7):

Labcorp Genetics (formerly Invitae), Labcorp
Classification: Likely benign for Hereditary nonpolyposis colorectal neoplasms. Last evaluated: 2025-09-19. Review status: criteria provided, single submitter. Criteria: Invitae Variant Classification Sherloc (09022015). Collection method: clinical testing. Allele origin: germline.

Center for Genomic Medicine, Rigshospitalet, Copenhagen University Hospital
Classification: Likely benign. Last evaluated: 2025-03-04. Review status: criteria provided, single submitter. Criteria: ACMG Guidelines, 2015. Collection method: clinical testing. Allele origin: germline.

Myriad Genetics, Inc.
Classification: Benign for Lynch syndrome 5. Last evaluated: 2025-01-02. Review status: criteria provided, single submitter. Criteria: Myriad Autosomal Dominant, Autosomal Recessive and X-Linked Classification Criteria (2023). Collection method: clinical testing. Allele origin: unknown.
Comment: This variant is considered benign. This variant is a silent/synonymous amino acid change and it is not expected to impact splicing.

All of Us Research Program, National Institutes of Health
Classification: Likely benign for Lynch syndrome. Last evaluated: 2023-11-02. Review status: criteria provided, single submitter. Criteria: ACMG Guidelines, 2015. Collection method: clinical testing. Allele origin: germline. Inheritance: Autosomal dominant inheritance. Observed: 1 variant allele, 1 heterozygote.
Comment: This study involves interpretation of variants in research participants for the purpose of population health screening. Participant phenotype was not available at the time of variant classification. Additional details can be found in publication PMID: 35346344, PMCID: PMC8962531

GeneDx
Classification: Likely benign. Last evaluated: 2021-02-03. Review status: criteria provided, single submitter. Criteria: GeneDx Variant Classification Process June 2021. Collection method: clinical testing. Allele origin: germline. Affected: yes.

Color Diagnostics, LLC DBA Color Health
Classification: Likely benign for Hereditary cancer-predisposing syndrome. Last evaluated: 2018-06-18. Review status: criteria provided, single submitter. Criteria: ACMG Guidelines, 2015. Collection method: clinical testing. Allele origin: germline.

Ambry Genetics
Classification: Likely benign for Hereditary cancer-predisposing syndrome. Last evaluated: 2016-11-29. Review status: criteria provided, single submitter. Criteria: Ambry Variant Classification Scheme 2023. Collection method: clinical testing. Allele origin: germline.